The following is an entry in ClinVar:

NM_014319.5(LEMD3):c.20C>T (p.Ser7Leu)

Gene: LEMD3 (LEM domain containing 3; plus strand). Cytogenetic location: 12q14.3.
Variant type: single nucleotide variant.
Coding change: c.20C>T on transcript NM_014319.5 (MANE Select); coding-DNA position 20, C replaced by T.
Protein change: p.Ser7Leu; replaces serine 7 with leucine.
Molecular consequence: missense variant.
Genome position (GRCh38, 1-based): chr12:65,169,616, C>T. VCF-style: chr12-65169616-C-T. GRCh37 (hg19) VCF-style: chr12-65563396-C-T.
Other names: c.20C>T, p.Ser7Leu (NM_001167614.2); short protein forms S7L.
Identifiers: ClinVar variation 1483959 (VCV001483959.8), dbSNP rs768011921, ClinGen allele CA6670653.

ClinVar aggregate classification (germline): Uncertain significance (1 of 4 stars; one submission).

Allele frequency attached by ClinVar (database versions not stated): TOPMed below 0.00001; gnomAD 0.00001.
gnomAD v4.1: 3 of 1,587,924 alleles (0.00019%); highest among the groups gnomAD compares: Non-Finnish European, 0.00026%; no homozygotes.

Submission:

Labcorp Genetics (formerly Invitae), Labcorp
Classification: Uncertain significance. Last evaluated: 2021-04-06. Review status: criteria provided, single submitter. Criteria: Invitae Variant Classification Sherloc (09022015). Collection method: clinical testing. Allele origin: germline.
Comment: In summary, the available evidence is currently insufficient to determine the role of this variant in disease. Therefore, it has been classified as a Variant of Uncertain Significance. Algorithms developed to predict the effect of missense changes on protein structure and function are either unavailable or do not agree on the potential impact of this missense change (SIFT: "Tolerated"; PolyPhen-2: "Possibly Damaging"; Align-GVGD: "Class C0"). This variant has not been reported in the literature in individuals with LEMD3-related conditions. This variant is present in population databases (rs768011921, ExAC 0.007%). This sequence change replaces serine with leucine at codon 7 of the LEMD3 protein (p.Ser7Leu). The serine residue is weakly conserved and there is a large physicochemical difference between serine and leucine.